The following is an entry in ClinVar:

NM_005857.5(ZMPSTE24):c.104C>A (p.Thr35Asn)

Genes: ZMPSTE24 (zinc metallopeptidase STE24; plus strand), LOC129930253 (ATAC-STARR-seq lymphoblastoid active region 836; plus strand). Cytogenetic location: 1p34.2.
Variant type: single nucleotide variant.
Coding change: c.104C>A on transcript NM_005857.5 (MANE Select); coding-DNA position 104, C replaced by A.
Protein change: p.Thr35Asn; replaces threonine 35 with asparagine.
Molecular consequence: missense variant.
Genome position (GRCh38, 1-based): chr1:40,258,375, C>A. VCF-style: chr1-40258375-C-A. GRCh37 (hg19) VCF-style: chr1-40724047-C-A.
Other names: short protein forms T35N.
Identifiers: ClinVar variation 1386379 (VCV001386379.6), dbSNP rs2124573747, ClinGen allele CA339863643.

ClinVar aggregate classification (germline): Uncertain significance (1 of 4 stars; one submission).

Submission:

Labcorp Genetics (formerly Invitae), Labcorp
Classification: Uncertain significance. Last evaluated: 2026-01-05. Review status: criteria provided, single submitter. Criteria: Invitae Variant Classification Sherloc (09022015). Collection method: clinical testing. Allele origin: germline.
Comment: This sequence change replaces threonine with asparagine at codon 35 of the ZMPSTE24 protein (p.Thr35Asn). There is a small physicochemical difference between threonine and asparagine. This variant is not present in population databases (gnomAD no frequency). This variant has not been reported in the literature in individuals affected with ZMPSTE24-related conditions. ClinVar contains an entry for this variant (Variation ID: 1386379). Invitae Evidence Modeling of protein sequence and biophysical properties (such as structural, functional, and spatial information, amino acid conservation, physicochemical variation, residue mobility, and thermodynamic stability) indicates that this missense variant is not expected to disrupt ZMPSTE24 protein function with a negative predictive value of 80%. In summary, the available evidence is currently insufficient to determine the role of this variant in disease. Therefore, it has been classified as a Variant of Uncertain Significance.